The following is an entry in ClinVar:

NM_001122752.2(SERPINI1):c.1116C>T (p.Val372=)

Gene: SERPINI1 (serpin family I member 1; plus strand). Cytogenetic location: 3q26.1.
Variant type: single nucleotide variant.
Coding change: c.1116C>T on transcript NM_001122752.2 (MANE Select); coding-DNA position 1116, C replaced by T.
Protein change: p.Val372=; no amino-acid change (valine 372 retained).
Molecular consequence: synonymous variant.
Genome position (GRCh38, 1-based): chr3:167,824,522, C>T. VCF-style: chr3-167824522-C-T. GRCh37 (hg19) VCF-style: chr3-167542310-C-T.
Other names: c.1116C>T, p.Val372= (NM_005025.5).
Identifiers: ClinVar variation 1140955 (VCV001140955.33), dbSNP rs142605327, ClinGen allele CA2694990.

ClinVar aggregate classification (germline): Likely benign. Review status: criteria provided, multiple submitters, no conflicts (2 of 4 stars). 3 submissions from 3 submitters: Likely benign (3). Last evaluated 2025-12-30.

Conditions:
Familial encephalopathy with neuroserpin inclusion bodies. Also called: ENCEPHALOPATHY, FAMILIAL, WITH COLLINS BODIES. Identifiers: Orphanet 85110, MedGen C1858680, MONDO:0011412, OMIM 604218.

Allele frequency attached by ClinVar (database versions not stated): gnomAD 0.00009; ESP Exome Variant Server 0.00015; ExAC 0.00007; gnomAD exomes 0.00007; TOPMed 0.00007.
gnomAD v4.1: 105 of 1,613,378 alleles (0.0065%); highest among the groups gnomAD compares: Non-Finnish European, 0.0081%; no homozygotes.

Submissions (3):

Labcorp Genetics (formerly Invitae), Labcorp
Classification: Likely benign for Familial encephalopathy with neuroserpin inclusion bodies. Last evaluated: 2025-12-30. Review status: criteria provided, single submitter. Criteria: Invitae Variant Classification Sherloc (09022015). Collection method: clinical testing. Allele origin: germline.

Blueprint Genetics
Classification: Likely benign. Last evaluated: 2024-11-07. Review status: criteria provided, single submitter. Criteria: ACMG Guidelines, 2015. Collection method: clinical testing. Allele origin: germline.

CeGaT Center for Human Genetics Tuebingen
Classification: Likely benign. Last evaluated: 2022-09-01. Review status: criteria provided, single submitter. Criteria: CeGaT Center For Human Genetics Tuebingen Variant Classification Criteria Version 2. Collection method: clinical testing. Allele origin: germline. Affected: yes. Observed: 1 variant allele.
Comment: SERPINI1: BP4, BP7